The following is an entry in ClinVar:

ClinVar aggregate classification (germline): Uncertain significance (1 of 4 stars; one submission).

Conditions:
Microcephaly-intellectual disability-sensorineural hearing loss-epilepsy-abnormal muscle tone syndrome (NEDHSB). Also called: NEURODEVELOPMENTAL DISORDER WITH HEARING LOSS, SEIZURES, AND BRAIN ABNORMALITIES. Identifiers: Orphanet 457351, MedGen C4225276, MONDO:0014698, OMIM 616577.

Submission:

Labcorp Genetics (formerly Invitae), Labcorp
Classification: Uncertain significance for Microcephaly-intellectual disability-sensorineural hearing loss-epilepsy-abnormal muscle tone syndrome. Last evaluated: 2018-02-08. Review status: criteria provided, single submitter. Criteria: Invitae Variant Classification Sherloc (09022015). Collection method: clinical testing. Allele origin: germline.
Comment: This variant is not present in population databases (ExAC no frequency). This sequence change replaces leucine with arginine at codon 378 of the SPATA5 protein (p.Leu378Arg). The leucine residue is highly conserved and there is a moderate physicochemical difference between leucine and arginine. This variant has not been reported in the literature in individuals with SPATA5-related disease. In summary, the available evidence is currently insufficient to determine the role of this variant in disease. Therefore, it has been classified as a Variant of Uncertain Significance. Algorithms developed to predict the effect of missense changes on protein structure and function (SIFT, PolyPhen-2, Align-GVGD) all suggest that this variant is likely to be disruptive, but these predictions have not been confirmed by published functional studies and their clinical significance is uncertain.

NM_145207.3(AFG2A):c.1133T>G (p.Leu378Arg)

Gene: AFG2A (AAA ATPase AFG2A; plus strand). Cytogenetic location: 4q28.1.
Variant type: single nucleotide variant.
Coding change: c.1133T>G on transcript NM_145207.3 (MANE Select); coding-DNA position 1133, T replaced by G.
Protein change: p.Leu378Arg; replaces leucine 378 with arginine.
Molecular consequence: missense variant.
Genome position (GRCh38, 1-based): chr4:122,934,724, T>G. VCF-style: chr4-122934724-T-G. GRCh37 (hg19) VCF-style: chr4-123855879-T-G.
Other names: c.1130T>G, p.Leu377Arg (NM_001317799.2, NM_001345856.2); short protein forms L378R, L377R.
Identifiers: ClinVar variation 542384 (VCV000542384.5), dbSNP rs1553955916, ClinGen allele CA358103397.